The following is an entry in ClinVar:

ClinVar aggregate classification (germline): Uncertain significance (1 of 4 stars; one submission).

Conditions:
Inborn genetic diseases. Identifiers: MedGen C0950123, MeSH D030342.

gnomAD v4.1: 13 of 1,613,684 alleles (0.00081%); highest among the groups gnomAD compares: Non-Finnish European, 0.0011%; no homozygotes.

Submission:

Ambry Genetics
Classification: Uncertain significance for Inborn genetic diseases. Last evaluated: 2026-04-09. Review status: criteria provided, single submitter. Criteria: Ambry Variant Classification Scheme 2023. Collection method: clinical testing. Allele origin: germline.
Comment: The c.1020+6G>T intronic variant consists of a G to T substitution 6 nucleotides after exon 3 (coding exon 3) of the CEP85L gene. Based on data from gnomAD, the T allele has an overall frequency of 0.001% (2/250238) total alleles studied. The highest observed frequency was 0.002% (2/112768) of European (non-Finnish) alleles. Based on insufficient or conflicting evidence, the clinical significance of this alteration remains unclear.

NM_001042475.3(CEP85L):c.1020+6G>T

Gene: CEP85L (centrosomal protein 85L; minus strand). Cytogenetic location: 6q22.31.
Variant type: single nucleotide variant.
Coding change: c.1020+6G>T on transcript NM_001042475.3 (MANE Select); 6 bases into the intron after coding-DNA position 1020, G replaced by T.
Molecular consequence: intron variant.
Genome position (GRCh38, 1-based): chr6:118,565,523, C>A on the plus strand (G>T on the coding strand, the complement: CEP85L is on the minus strand). VCF-style: chr6-118565523-C-A. GRCh37 (hg19) VCF-style: chr6-118886686-C-A.
Other names: c.1029+6G>T (NM_001178035.2); c.1020+6G>T (NM_206921.3).
Identifiers: ClinVar variation 4868790 (VCV004868790.1).